The following is an entry in ClinVar:

ClinVar aggregate classification (germline): Uncertain significance (1 of 4 stars; one submission).

Conditions:
Primary ciliary dyskinesia. Also called: Ciliary dyskinesia. Identifiers: Orphanet 244, MedGen C0008780, MONDO:0016575, HP:0012265.

Submission:

Labcorp Genetics (formerly Invitae), Labcorp
Classification: Uncertain significance for Primary ciliary dyskinesia. Last evaluated: 2022-07-11. Review status: criteria provided, single submitter. Criteria: Invitae Variant Classification Sherloc (09022015). Collection method: clinical testing. Allele origin: germline.
Comment: This variant has not been reported in the literature in individuals affected with RPGR-related conditions. In summary, the available evidence is currently insufficient to determine the role of this variant in disease. Therefore, it has been classified as a Variant of Uncertain Significance. Algorithms developed to predict the effect of sequence changes on RNA splicing suggest that this variant may create or strengthen a splice site. Algorithms developed to predict the effect of missense changes on protein structure and function output the following: SIFT: "Tolerated"; PolyPhen-2: "Benign"; Align-GVGD: "Class C0". The serine amino acid residue is found in multiple mammalian species, which suggests that this missense change does not adversely affect protein function. ClinVar contains an entry for this variant (Variation ID: 454513). This variant is not present in population databases (gnomAD no frequency). This sequence change replaces asparagine, which is neutral and polar, with serine, which is neutral and polar, at codon 609 of the RPGR protein (p.Asn609Ser).

NM_001034853.2(RPGR):c.1826A>G (p.Asn609Ser)

Gene: RPGR (retinitis pigmentosa GTPase regulator; minus strand). Cytogenetic location: Xp11.4.
Variant type: single nucleotide variant.
Coding change: c.1826A>G on transcript NM_001034853.2 (MANE Select); coding-DNA position 1826, A replaced by G.
Protein change: p.Asn609Ser; replaces asparagine 609 with serine.
Molecular consequence: missense variant. On other transcripts: non-coding transcript variant (2), intron variant (5).
Genome position (GRCh38, 1-based): chrX:38,287,173, T>C on the plus strand (A>G on the coding strand, the complement: RPGR is on the minus strand). VCF-style: chrX-38287173-T-C. GRCh37 (hg19) VCF-style: chrX-38146426-T-C.
Other names: c.1826A>G, p.Asn609Ser (NM_000328.3); c.1823A>G, p.Asn608Ser (NM_001367245.1); c.1640A>G, p.Asn547Ser (NM_001367246.1); c.1569+3786A>G (NM_001367249.1, NM_001367250.1); c.1386+3786A>G (NM_001367251.1); c.1572+3786A>G (NM_001367247.1); c.1602+3786A>G (NM_001367248.1); short protein forms N609S, N547S, N608S.
Identifiers: ClinVar variation 454513 (VCV000454513.9), dbSNP rs1555961989, ClinGen allele CA412732737.